The following is an entry in ClinVar:

ClinVar aggregate classification (germline): Uncertain significance (1 of 4 stars; one submission).

Allele frequency attached by ClinVar (database versions not stated): TOPMed 0.00001.

Submission:

GeneDx
Classification: Uncertain significance. Last evaluated: 2020-02-26. Review status: criteria provided, single submitter. Criteria: GeneDx Variant Classification Process June 2021. Collection method: clinical testing. Allele origin: germline. Affected: yes.
Comment: Not observed in large population cohorts (Lek et al., 2016); In silico analysis supports that this missense variant does not alter protein structure/function; Has not been previously published as pathogenic or benign to our knowledge

NM_181672.3(OGT):c.3093C>G (p.Asn1031Lys)

Gene: OGT (O-linked N-acetylglucosamine (GlcNAc) transferase; plus strand). Cytogenetic location: Xq13.1.
Variant type: single nucleotide variant.
Coding change: c.3093C>G on transcript NM_181672.3 (MANE Select); coding-DNA position 3093, C replaced by G.
Protein change: p.Asn1031Lys; replaces asparagine 1031 with lysine.
Molecular consequence: missense variant.
Genome position (GRCh38, 1-based): chrX:71,573,746, C>G. VCF-style: chrX-71573746-C-G. GRCh37 (hg19) VCF-style: chrX-70793596-C-G.
Other names: c.3063C>G, p.Asn1021Lys (NM_181673.3); short protein forms N1021K, N1031K.
Identifiers: ClinVar variation 1303919 (VCV001303919.2), dbSNP rs1371722402, ClinGen allele CA413527675.